The following is an entry in ClinVar:

ClinVar aggregate classification (germline): Uncertain significance (1 of 4 stars; one submission).

Allele frequency attached by ClinVar (database versions not stated): ExAC 0.00002; 1000 Genomes Project 30x 0.00016; 1000 Genomes Project 0.00020.

Submission:

Labcorp Genetics (formerly Invitae), Labcorp
Classification: Uncertain significance. Last evaluated: 2023-09-03. Review status: criteria provided, single submitter. Criteria: Invitae Variant Classification Sherloc (09022015). Collection method: clinical testing. Allele origin: germline.
Comment: In summary, the available evidence is currently insufficient to determine the role of this variant in disease. Therefore, it has been classified as a Variant of Uncertain Significance. Experimental studies and prediction algorithms are not available or were not evaluated, and the functional significance of this variant is currently unknown. This variant has not been reported in the literature in individuals affected with NSUN3-related conditions. This variant is present in population databases (rs546505122, gnomAD 0.02%). This sequence change affects the initiator methionine of the NSUN3 mRNA. The next in-frame methionine is located at codon 197.

NM_022072.5(NSUN3):c.1A>G (p.Met1Val)

Genes: DHFR2 (dihydrofolate reductase 2; minus strand), NSUN3 (NOP2/Sun RNA methyltransferase 3; plus strand), LOC129937100 (ATAC-STARR-seq lymphoblastoid active region 20124; plus strand). Cytogenetic location: 3q11.2.
Variant type: single nucleotide variant.
Coding change: c.1A>G on transcript NM_022072.5 (MANE Select); coding-DNA position 1, A replaced by G.
Protein change: p.Met1Val; changes the start codon (methionine 1).
Molecular consequence: missense variant, initiator codon variant.
Genome position (GRCh38, 1-based): chr3:94,063,127, A>G. VCF-style: chr3-94063127-A-G. GRCh37 (hg19) VCF-style: chr3-93781971-A-G.
Other names: short protein forms M1V.
Identifiers: ClinVar variation 2964336 (VCV002964336.3), dbSNP rs546505122, ClinGen allele CA2504578.
Genomic context (GRCh38, chr3:94,063,127, plus strand): 5'-CTGGAGGCTTTTTGATACTGATTCGCGTACACCTGTTGTTTGAAAGCTCTCAGCGGGACA[A>G]TGCTGACCCAGGTGAGACCTGGGGCCCGGCTGGGTACCTCTATCTGAATGAGACGCTTCT-3'
Protein context (NP_071355.1, residues 1-11): [Met1Val]LTQLKAKSEG